The following is an entry in ClinVar:

NM_014908.4(DOLK):c.489G>T (p.Glu163Asp)

Gene: DOLK (dolichol kinase; minus strand). Cytogenetic location: 9q34.11.
Variant type: single nucleotide variant.
Coding change: c.489G>T on transcript NM_014908.4 (MANE Select); coding-DNA position 489, G replaced by T.
Protein change: p.Glu163Asp; replaces glutamic acid 163 with aspartic acid.
Molecular consequence: missense variant.
Genome position (GRCh38, 1-based): chr9:128,946,815, C>A on the plus strand (G>T on the coding strand, the complement: DOLK is on the minus strand). VCF-style: chr9-128946815-C-A. GRCh37 (hg19) VCF-style: chr9-131709094-C-A.
Other names: short protein forms E163D.
Identifiers: ClinVar variation 837947 (VCV000837947.10), dbSNP rs1329633231, ClinGen allele CA375125354.

ClinVar aggregate classification (germline): Uncertain significance. Review status: criteria provided, multiple submitters, no conflicts (2 of 4 stars). 3 submissions from 3 submitters: Uncertain significance (3). Last evaluated 2025-09-16.

Conditions:
Cardiovascular phenotype. Identifiers: MedGen CN230736.
DK1-congenital disorder of glycosylation. Also called: DK1-CDG; DOLK-congenital disorder of glycosylation; Carbohydrate deficient glycoprotein syndrome type 1m; DK1 DEFICIENCY; DOLICHOL KINASE DEFICIENCY; CONGENITAL DISORDER OF GLYCOSYLATION, TYPE Im. Identifiers: Orphanet 91131, MedGen C1835849, MONDO:0012556, OMIM 610768.

Allele frequency attached by ClinVar (database versions not stated): gnomAD exomes below 0.00001; TOPMed below 0.00001; gnomAD 0.00001.
gnomAD v4.1: 3 of 1,613,432 alleles (0.00019%); highest among the groups gnomAD compares: African/African-American, 0.004%; no homozygotes.

Submissions (3):

Labcorp Genetics (formerly Invitae), Labcorp
Classification: Uncertain significance for DK1-congenital disorder of glycosylation. Last evaluated: 2025-09-16. Review status: criteria provided, single submitter. Criteria: Invitae Variant Classification Sherloc (09022015). Collection method: clinical testing. Allele origin: germline.
Comment: This sequence change replaces glutamic acid, which is acidic and polar, with aspartic acid, which is acidic and polar, at codon 163 of the DOLK protein (p.Glu163Asp). This variant is present in population databases (no rsID available, gnomAD 0.01%). This variant has not been reported in the literature in individuals affected with DOLK-related conditions. ClinVar contains an entry for this variant (Variation ID: 837947). Invitae Evidence Modeling of protein sequence and biophysical properties (such as structural, functional, and spatial information, amino acid conservation, physicochemical variation, residue mobility, and thermodynamic stability) indicates that this missense variant is not expected to disrupt DOLK protein function with a negative predictive value of 80%. In summary, the available evidence is currently insufficient to determine the role of this variant in disease. Therefore, it has been classified as a Variant of Uncertain Significance.

Molecular Diagnostic Laboratory for Inherited Cardiovascular Disease, Montreal Heart Institute
Classification: Uncertain significance for Cardiovascular phenotype. Last evaluated: 2025-04-09. Review status: criteria provided, single submitter. Criteria: ACMG Guidelines, 2015. Collection method: clinical testing. Allele origin: germline. Affected: yes.
Comment: PM2

Ambry Genetics
Classification: Uncertain significance for Cardiovascular phenotype. Last evaluated: 2023-12-10. Review status: criteria provided, single submitter. Criteria: Ambry Variant Classification Scheme 2023. Collection method: clinical testing. Allele origin: germline.
Comment: The p.E163D variant (also known as c.489G>T), located in coding exon 1 of the DOLK gene, results from a G to T substitution at nucleotide position 489. The glutamic acid at codon 163 is replaced by aspartic acid, an amino acid with highly similar properties. This amino acid position is conserved. In addition, the in silico prediction for this alteration is inconclusive. Since supporting evidence is limited at this time, the clinical significance of this alteration remains unclear.